The following is an entry in ClinVar:

ClinVar aggregate classification (germline): Uncertain significance (1 of 4 stars; one submission).

gnomAD v4.1: 1 of 1,614,226 alleles (0.000062%); highest among the groups gnomAD compares: Non-Finnish European, 0.000085%; no homozygotes.

Submission:

Dasa
Classification: Uncertain significance. Last evaluated: 2025-12-26. Review status: criteria provided, single submitter. Criteria: DASA Assertion Criteria. Collection method: clinical testing. Allele origin: germline.
Comment: NM_001378743.1(CYLD):c.2715A>G (p.Gln905=) is a synonymous variant predicted not to alter the encoded amino acid sequence. This variant is rare in population databases. The currently available literature and clinical evidence are not sufficient to establish a definitive association between this variant and the reported condition. Therefore, this variant is classified as a variant of uncertain significance.

NM_001378743.1(CYLD):c.2715A>G (p.Gln905=)

Genes: CYLD (CYLD lysine 63 deubiquitinase; plus strand), CYLD-AS2 (CYLD antisense RNA 2; minus strand). Cytogenetic location: 16q12.1.
Variant type: single nucleotide variant.
Coding change: c.2715A>G on transcript NM_001378743.1 (MANE Select); coding-DNA position 2715, A replaced by G.
Protein change: p.Gln905=; no amino-acid change (glutamine 905 retained).
Molecular consequence: synonymous variant. On other transcripts: non-coding transcript variant (1).
Genome position (GRCh38, 1-based): chr16:50,796,352, A>G. VCF-style: chr16-50796352-A-G. GRCh37 (hg19) VCF-style: chr16-50830263-A-G.
Other names: c.2706A>G, p.Gln902= (NM_001042355.2, NM_001042412.3, NM_001378744.1 and 6 more transcripts); c.2676A>G, p.Gln892= (NM_001378751.1, NM_001378752.1, NM_001378753.1); c.2040A>G, p.Gln680= (NM_001378754.1, NM_001378755.1); c.2715A>G, p.Gln905= (NM_015247.3).
Identifiers: ClinVar variation 4885903 (VCV004885903.2).
Genomic context (GRCh38, chr16:50,796,352, plus strand): 5'-GCCCTATAAAGAGTTCTTCCTCTGTGCCATAGGTGGTCAGAATGGCTTCAACATTCCTCA[A>G]GTCACCCCATGCCCAGAAGTAGGAGAGTACTTGAAGATGTCTCTGGAAGACCTGCATTCC-3'
Protein context (NP_001365672.1, residues 895-915): DGGQNGFNIP[Gln905=]VTPCPEVGEY